The following is an entry in ClinVar:

ClinVar aggregate classification (germline): Uncertain significance. Review status: criteria provided, multiple submitters, no conflicts (2 of 4 stars). 4 submissions from 4 submitters: Uncertain significance (4). Last evaluated 2025-06-24.

Conditions:
Cardiomyopathy (CMYO). Also called: Cardiomyopathies. Identifiers: Orphanet 167848, MedGen C0878544, MONDO:0004994, HP:0001638. Inheritance: Various modes of inheritance.
Hypertrophic cardiomyopathy. Also called: HYPERTROPHIC MYOCARDIOPATHY. Identifiers: Orphanet 217569, MedGen C0007194, MeSH D002312, MONDO:0005045, HP:0001639.

Allele frequency attached by ClinVar (database versions not stated): gnomAD exomes 0.00001.
gnomAD v4.1: 14 of 1,607,226 alleles (0.00087%); highest among the groups gnomAD compares: Non-Finnish European, 0.0012%; no homozygotes.

Submissions (4):

Color Diagnostics, LLC DBA Color Health
Classification: Uncertain significance for Cardiomyopathy. Last evaluated: 2025-06-24. Review status: criteria provided, single submitter. Criteria: ACMG Guidelines, 2015. Collection method: clinical testing. Allele origin: germline.
Comment: This variant changes 1 nucleotide in exon 37 of the MYH7 gene, creating a premature translation stop signal. This variant is expected to result in an absent or non-functional protein product. This variant has been reported in an individual affected with dilated cardiomyopathy (PMID: 29892087, 31983221). This variant has not been identified in the general population by the Genome Aggregation Database (gnomAD). Clinical relevance of loss-of-function MYH7 truncation variants in autosomal dominant cardiovascular disorders is not clearly established. The available evidence is insufficient to determine the role of this variant in disease conclusively. Therefore, this variant is classified as a Variant of Uncertain Significance.

GeneDx
Classification: Uncertain significance. Last evaluated: 2025-05-16. Review status: criteria provided, single submitter. Criteria: GeneDx Variant Classification Process June 2021. Collection method: clinical testing. Allele origin: germline. Affected: yes.
Comment: Nonsense variant predicted to result in protein truncation or nonsense mediated decay in a gene or region of a gene for which loss of function is not a well-established mechanism of disease; Reported in at least one individual with DCM; no further patient-specific detail was provided (PMID: 29892087, 31983221); Not observed at significant frequency in large population cohorts (gnomAD); This variant is associated with the following publications: (PMID: 29892087, 31983221)

Labcorp Genetics (formerly Invitae), Labcorp
Classification: Uncertain significance for Hypertrophic cardiomyopathy. Last evaluated: 2024-01-20. Review status: criteria provided, single submitter. Criteria: Invitae Variant Classification Sherloc (09022015). Collection method: clinical testing. Allele origin: germline.
Comment: This sequence change creates a premature translational stop signal (p.Tyr1852*) in the MYH7 gene. It is expected to result in an absent or disrupted protein product. However, the current clinical and genetic evidence is not sufficient to establish whether loss-of-function variants in MYH7 cause disease. This variant is not present in population databases (gnomAD no frequency). This premature translational stop signal has been observed in individual(s) with dilated cardiomyopathy (PMID: 29892087). ClinVar contains an entry for this variant (Variation ID: 181287). In summary, the available evidence is currently insufficient to determine the role of this variant in disease. Therefore, it has been classified as a Variant of Uncertain Significance.

Revvity Omics, Revvity
Classification: Uncertain significance. Last evaluated: 2020-10-08. Review status: criteria provided, single submitter. Criteria: ACMG Guidelines, 2015. Collection method: clinical testing. Allele origin: germline.

Literature cited by the submitters: PubMed 29892087 (cited by Color Diagnostics, LLC DBA Color Health and Labcorp Genetics (formerly Invitae), Labcorp); PubMed 31983221 (cited by Color Diagnostics, LLC DBA Color Health).

NM_000257.4(MYH7):c.5556C>G (p.Tyr1852Ter)

Gene: MYH7 (myosin heavy chain 7; minus strand). Cytogenetic location: 14q11.2.
Variant type: single nucleotide variant.
Coding change: c.5556C>G on transcript NM_000257.4 (MANE Select); coding-DNA position 5556, C replaced by G.
Protein change: p.Tyr1852Ter; replaces tyrosine 1852 with a stop codon.
Molecular consequence: nonsense.
Genome position (GRCh38, 1-based): chr14:23,414,998, G>C on the plus strand (C>G on the coding strand, the complement: MYH7 is on the minus strand). VCF-style: chr14-23414998-G-C. GRCh37 (hg19) VCF-style: chr14-23884207-G-C.
Other names: p.Y1852*:TAC>TAG; c.5556C>G (LRG_384t1); short protein forms Y1852*.
Identifiers: ClinVar variation 181287 (VCV000181287.17), dbSNP rs730880823, ClinGen allele CA016224.
Genomic context (GRCh38, chr14:23,414,998, plus strand): 5'-TGGTTGTCACTGTGGCTATGGTGCCAGGGCTCTGCCTGGAGTCACCGCCCGTCGCACCTG[G>C]TAGGTGAGCTCCTTGATGCGCCGCTCGCTCTTCCTCATGCCCTTCACCGACTCTGCGTTG-3'